The following is an entry in ClinVar:

NM_000095.3(COMP):c.905A>G (p.Asp302Gly)

Gene: COMP (cartilage oligomeric matrix protein; minus strand). Cytogenetic location: 19p13.11.
Variant type: single nucleotide variant.
Coding change: c.905A>G on transcript NM_000095.3 (MANE Select); coding-DNA position 905, A replaced by G.
Protein change: p.Asp302Gly; replaces aspartic acid 302 with glycine.
Molecular consequence: missense variant.
Genome position (GRCh38, 1-based): chr19:18,788,282, T>C on the plus strand (A>G on the coding strand, the complement: COMP is on the minus strand). VCF-style: chr19-18788282-T-C. GRCh37 (hg19) VCF-style: chr19-18899091-T-C.
Other names: short protein forms D302G.
Identifiers: ClinVar variation 1026679 (VCV001026679.10), dbSNP rs1248996138, ClinGen allele CA404891408.

ClinVar aggregate classification (germline): Likely pathogenic (1 of 4 stars; one submission).

Allele frequency attached by ClinVar (database versions not stated): gnomAD exomes below 0.00001.
gnomAD v4.1: 2 of 1,613,002 alleles (0.00012%); highest among the groups gnomAD compares: Admixed American, 0.0017%; no homozygotes.

Submission:

Labcorp Genetics (formerly Invitae), Labcorp
Classification: Likely pathogenic. Last evaluated: 2024-06-04. Review status: criteria provided, single submitter. Criteria: Invitae Variant Classification Sherloc (09022015). Collection method: clinical testing. Allele origin: germline.
Comment: This sequence change replaces aspartic acid, which is acidic and polar, with glycine, which is neutral and non-polar, at codon 302 of the COMP protein (p.Asp302Gly). This variant is present in population databases (no rsID available, gnomAD 0.003%). This missense change has been observed in individual(s) with clinical features of COMP-related conditions (Invitae). ClinVar contains an entry for this variant (Variation ID: 1026679). Advanced modeling of protein sequence and biophysical properties (such as structural, functional, and spatial information, amino acid conservation, physicochemical variation, residue mobility, and thermodynamic stability) performed at Invitae indicates that this missense variant is expected to disrupt COMP protein function with a positive predictive value of 80%. This variant disrupts the p.Asp302 amino acid residue in COMP. Other variant(s) that disrupt this residue have been determined to be pathogenic (PMID: 10405447, 17570134). This suggests that this residue is clinically significant, and that variants that disrupt this residue are likely to be disease-causing. In summary, the currently available evidence indicates that the variant is pathogenic, but additional data are needed to prove that conclusively. Therefore, this variant has been classified as Likely Pathogenic.

Literature cited by the submitters: PubMed 10405447; PubMed 17570134.